The following is an entry in ClinVar:

ClinVar aggregate classification (germline): Uncertain significance. Review status: criteria provided, multiple submitters, no conflicts (2 of 4 stars). 2 submissions from 2 submitters: Uncertain significance (2). Last evaluated 2022-08-07.

Allele frequency attached by ClinVar (database versions not stated): gnomAD exomes below 0.00001 and 0.00001; TOPMed 0.00001; ExAC 0.00002; gnomAD 0.00003.
gnomAD v4.1: 4 of 1,209,580 alleles (0.00033%); highest among the groups gnomAD compares: Admixed American, 0.0066%; no homozygotes.

Submissions (2):

Labcorp Genetics (formerly Invitae), Labcorp
Classification: Uncertain significance. Last evaluated: 2022-08-07. Review status: criteria provided, single submitter. Criteria: Invitae Variant Classification Sherloc (09022015). Collection method: clinical testing. Allele origin: germline.
Comment: This sequence change replaces isoleucine, which is neutral and non-polar, with valine, which is neutral and non-polar, at codon 1959 of the USP9X protein (p.Ile1959Val). In summary, the available evidence is currently insufficient to determine the role of this variant in disease. Therefore, it has been classified as a Variant of Uncertain Significance. Algorithms developed to predict the effect of missense changes on protein structure and function (SIFT, PolyPhen-2, Align-GVGD) all suggest that this variant is likely to be tolerated. ClinVar contains an entry for this variant (Variation ID: 1065156). This variant has not been reported in the literature in individuals affected with USP9X-related conditions. This variant is present in population databases (rs748796919, gnomAD 0.008%).

Women's Health and Genetics/Laboratory Corporation of America, LabCorp
Classification: Uncertain significance. Last evaluated: 2021-04-09. Review status: criteria provided, single submitter. Criteria: LabCorp Variant Classification Summary - May 2015. Collection method: clinical testing. Allele origin: germline.
Comment: Variant summary: USP9X c.5875A>G (p.Ile1959Val) results in a conservative amino acid change in the encoded protein sequence. Four of five in-silico tools predict a benign effect of the variant on protein function. The variant allele was found at a frequency of 5.5e-06 in 182275 control chromosomes. The available data on variant occurrences in the general population are insufficient to allow any conclusion about variant significance. To our knowledge, no occurrence of c.5875A>G in individuals affected with Mental Retardation, X-Linked 99 and no experimental evidence demonstrating its impact on protein function have been reported. No clinical diagnostic laboratories have submitted clinical-significance assessments for this variant to ClinVar after 2014. Based on the evidence outlined above, the variant was classified as uncertain significance.

NM_001039591.3(USP9X):c.5875A>G (p.Ile1959Val)

Gene: USP9X (ubiquitin specific peptidase 9 X-linked; plus strand). Cytogenetic location: Xp11.4.
Variant type: single nucleotide variant.
Coding change: c.5875A>G on transcript NM_001039591.3 (MANE Select); coding-DNA position 5875, A replaced by G.
Protein change: p.Ile1959Val; replaces isoleucine 1959 with valine.
Molecular consequence: missense variant.
Genome position (GRCh38, 1-based): chrX:41,216,442, A>G. VCF-style: chrX-41216442-A-G. GRCh37 (hg19) VCF-style: chrX-41075695-A-G.
Other names: c.5875A>G, p.Ile1959Val (NM_001039590.3); short protein forms I1959V.
Identifiers: ClinVar variation 1065156 (VCV001065156.6), dbSNP rs748796919, ClinGen allele CA10389026.